The following is an entry in ClinVar:

ClinVar aggregate classification (germline): Pathogenic (1 of 4 stars; one submission).

Submission:

Labcorp Genetics (formerly Invitae), Labcorp
Classification: Pathogenic. Last evaluated: 2024-05-18. Review status: criteria provided, single submitter. Criteria: Invitae Variant Classification Sherloc (09022015). Collection method: clinical testing. Allele origin: germline.
Comment: This sequence change creates a premature translational stop signal (p.Ala178Glufs*5) in the NEXMIF gene. It is expected to result in an absent or disrupted protein product. Loss-of-function variants in NEXMIF are known to be pathogenic (PMID: 23615299). This variant is not present in population databases (gnomAD no frequency). This variant has not been reported in the literature in individuals affected with NEXMIF-related conditions. For these reasons, this variant has been classified as Pathogenic.

Literature cited by the submitters: PubMed 23615299.

NM_001008537.3(NEXMIF):c.533del (p.Ala178fs)

Gene: NEXMIF (neurite extension and migration factor; minus strand). Cytogenetic location: Xq13.3.
Variant type: Deletion.
Coding change: c.533del on transcript NM_001008537.3 (MANE Select); coding-DNA position 533, one base deleted (C; older notation c.533delC).
Protein change: p.Ala178fs; shifts the reading frame from alanine 178.
Molecular consequence: frameshift variant.
Genome position (GRCh38, 1-based): chrX:74,744,024, G deleted on the plus strand (C on the coding strand, the reverse complement: NEXMIF is on the minus strand). VCF-style (leftmost placement, unchanged base first): chrX-74744023-TG-T. GRCh37 (hg19) VCF-style: chrX-73963858-TG-T.
Other names: short protein forms A178fs.
Identifiers: ClinVar variation 3653768 (VCV003653768.2).